The following is an entry in ClinVar:

ClinVar aggregate classification (germline): Uncertain significance. Review status: criteria provided, multiple submitters, no conflicts (2 of 4 stars). 2 submissions from 2 submitters: Uncertain significance (2). Last evaluated 2025-08-31.

Conditions:
Angelman syndrome (AS). Also called: HAPPY PUPPET SYNDROME. Identifiers: Orphanet 72, MedGen C0162635, MONDO:0007113, OMIM 105830. Disease mechanism: loss of function. Inheritance: AS is caused by disruption of maternally imprinted UBE3A located within the 15q11.2-q13 Angelman syndrome/Prader-Willi syndrome (AS/PWS) region., imprinting disorder.

Allele frequency attached by ClinVar (database versions not stated): gnomAD 0.00003; TOPMed 0.00003.
gnomAD v4.1: 6 of 1,614,020 alleles (0.00037%); highest among the groups gnomAD compares: African/African-American, 0.008%; no homozygotes.

Submissions (2):

Labcorp Genetics (formerly Invitae), Labcorp
Classification: Uncertain significance for Angelman syndrome. Last evaluated: 2025-08-31. Review status: criteria provided, single submitter. Criteria: Invitae Variant Classification Sherloc (09022015). Collection method: clinical testing. Allele origin: germline.
Comment: This sequence change replaces glycine, which is neutral and non-polar, with cysteine, which is neutral and slightly polar, at codon 79 of the UBE3A protein (p.Gly79Cys). This variant is present in population databases (rs774533700, gnomAD 0.007%). This variant has not been reported in the literature in individuals affected with UBE3A-related conditions. ClinVar contains an entry for this variant (Variation ID: 945944). Invitae Evidence Modeling of protein sequence and biophysical properties (such as structural, functional, and spatial information, amino acid conservation, physicochemical variation, residue mobility, and thermodynamic stability) has been performed for this missense variant. However, the output from this modeling did not meet the statistical confidence thresholds required to predict the impact of this variant on UBE3A protein function. In summary, the available evidence is currently insufficient to determine the role of this variant in disease. Therefore, it has been classified as a Variant of Uncertain Significance.

GeneDx
Classification: Uncertain significance. Last evaluated: 2019-09-03. Review status: criteria provided, single submitter. Criteria: GeneDx Variant Classification Process June 2021. Collection method: clinical testing. Allele origin: germline. Affected: yes.
Comment: The majority of missense variants in this gene are considered pathogenic (Stenson et al., 2014); In silico analysis, which includes protein predictors and evolutionary conservation, supports that this variant does not alter protein structure/function; Has not been previously published as pathogenic or benign to our knowledge

NM_130839.5(UBE3A):c.295G>T (p.Gly99Cys)

Genes: SNHG14 (small nucleolar RNA host gene 14; plus strand), UBE3A (ubiquitin protein ligase E3A; minus strand). Cytogenetic location: 15q11.2.
Variant type: single nucleotide variant.
Coding change: c.295G>T on transcript NM_130839.5 (MANE Select); coding-DNA position 295, G replaced by T.
Protein change: p.Gly99Cys; replaces glycine 99 with cysteine.
Molecular consequence: missense variant. On other transcripts: non-coding transcript variant (1).
Genome position (GRCh38, 1-based): chr15:25,375,531, C>A on the plus strand (G>T on the coding strand, the complement: UBE3A is on the minus strand). VCF-style: chr15-25375531-C-A. GRCh37 (hg19) VCF-style: chr15-25620678-C-A.
Other names: c.304G>T, p.Gly102Cys (NM_000462.5); c.295G>T, p.Gly99Cys (NM_001354505.1, NM_001354538.2, NM_001354545.2 and 1 more transcripts); c.235G>T, p.Gly79Cys (NM_001354506.2, NM_001354507.2, NM_001354508.2 and 18 more transcripts); c.118G>T, p.Gly40Cys (NM_001354546.2); short protein forms G40C, G99C, G79C, G102C.
Identifiers: ClinVar variation 945944 (VCV000945944.12), dbSNP rs774533700, ClinGen allele CA7435673.
Genomic context (GRCh38, chr15:25,375,531, plus strand): 5'-AATCAATTCTAGCGCCTTTCTTGTTCATTTTTATCTCAGAGCAGGAGTTGTTGGGGGCAC[C>A]TTTCGAGTTCTCAAGGTAAGCTGAGCTTGCTCCTTTCTTGGAGGGATGAGGATCACAGAG-3'
Protein context (NP_570854.1, residues 89-109): ASSAYLENSK[Gly99Cys]APNNSCSEIK